The following is an entry in ClinVar:

ClinVar aggregate classification (germline): Uncertain significance (1 of 4 stars; one submission).

Submission:

Labcorp Genetics (formerly Invitae), Labcorp
Classification: Uncertain significance. Last evaluated: 2019-10-29. Review status: criteria provided, single submitter. Criteria: Invitae Variant Classification Sherloc (09022015). Collection method: clinical testing. Allele origin: germline.
Comment: This variant results in a copy number gain of the genomic region encompassing exons 2-3 of the PARK2 gene. While the exact position of this variant cannot be determined from this data, sub-genic copy number gains are generally in tandem (PMID: 25640679). This variant would be expected to be in-frame, preserving the integrity of the reading frame. In summary, the available evidence is currently insufficient to determine the role of this variant in disease. Therefore, it has been classified as a Variant of Uncertain Significance.

NC_000006.12:g.(?_162262515)_(162443487_?)dup

Gene: PRKN (parkin RBR E3 ubiquitin protein ligase; minus strand). Cytogenetic location: 6q26.
Variant type: Duplication.
Identifiers: ClinVar variation 833166 (VCV000833166.1).